The following is an entry in ClinVar:

ClinVar aggregate classification (germline): Likely pathogenic (1 of 4 stars; one submission).

Conditions:
Nephronophthisis. Also called: Juvenile Nephronophthisis. Identifiers: Orphanet 655, MedGen C0687120, MONDO:0019005, HP:0000090.

gnomAD v4.1: 1 of 1,613,574 alleles (0.000062%); highest among the groups gnomAD compares: Non-Finnish European, 0.000085%; no homozygotes.

Submission:

Labcorp Genetics (formerly Invitae), Labcorp
Classification: Likely pathogenic for Nephronophthisis. Last evaluated: 2024-04-25. Review status: criteria provided, single submitter. Criteria: Invitae Variant Classification Sherloc (09022015). Collection method: clinical testing. Allele origin: germline.
Comment: This sequence change affects a donor splice site in intron 9 of the INVS gene. It is expected to disrupt RNA splicing. Variants that disrupt the donor or acceptor splice site typically lead to a loss of protein function (PMID: 16199547), and loss-of-function variants in INVS are known to be pathogenic (PMID: 12872123). This variant is not present in population databases (gnomAD no frequency). This variant has not been reported in the literature in individuals affected with INVS-related conditions. Algorithms developed to predict the effect of sequence changes on RNA splicing suggest that this variant may disrupt the consensus splice site. In summary, the currently available evidence indicates that the variant is pathogenic, but additional data are needed to prove that conclusively. Therefore, this variant has been classified as Likely Pathogenic.

Literature cited by the submitters: PubMed 16199547; PubMed 12872123.

NM_014425.5(INVS):c.1234+2T>A

Gene: INVS (inversin; plus strand). Cytogenetic location: 9q31.1.
Variant type: single nucleotide variant.
Coding change: c.1234+2T>A on transcript NM_014425.5 (MANE Select); the canonical splice donor site of the intron after coding-DNA position 1234, T replaced by A.
Molecular consequence: splice donor variant.
Genome position (GRCh38, 1-based): chr9:100,252,440, T>A. VCF-style: chr9-100252440-T-A. GRCh37 (hg19) VCF-style: chr9-103014722-T-A.
Other names: c.946+2T>A (NM_001318381.2); c.256+2T>A (NM_001318382.2).
Identifiers: ClinVar variation 3703926 (VCV003703926.2).